The following is an entry in ClinVar:

NM_000170.3(GLDC):c.1898T>G (p.Leu633Ter)

Gene: GLDC (glycine decarboxylase; minus strand). Cytogenetic location: 9p24.1.
Variant type: single nucleotide variant.
Coding change: c.1898T>G on transcript NM_000170.3 (MANE Select); coding-DNA position 1898, T replaced by G.
Protein change: p.Leu633Ter; replaces leucine 633 with a stop codon.
Molecular consequence: nonsense.
Genome position (GRCh38, 1-based): chr9:6,565,382, A>C on the plus strand (T>G on the coding strand, the complement: GLDC is on the minus strand). VCF-style: chr9-6565382-A-C. GRCh37 (hg19) VCF-style: chr9-6565382-A-C.
Other names: short protein forms L633*.
Identifiers: ClinVar variation 1459139 (VCV001459139.10), dbSNP rs2129758221, ClinGen allele CA372884437.

ClinVar aggregate classification (germline): Pathogenic (1 of 4 stars; one submission).

Conditions:
Glycine encephalopathy. Also called: Non-ketotic hyperglycinemia; Nonketotic hyperglycinemia. Identifiers: Orphanet 407, MedGen C0751748, MONDO:0011612, HP:0008288.

Submission:

Labcorp Genetics (formerly Invitae), Labcorp
Classification: Pathogenic for Glycine encephalopathy. Last evaluated: 2023-07-07. Review status: criteria provided, single submitter. Criteria: Invitae Variant Classification Sherloc (09022015). Collection method: clinical testing. Allele origin: germline.
Comment: This sequence change creates a premature translational stop signal (p.Leu633*) in the GLDC gene. It is expected to result in an absent or disrupted protein product. Loss-of-function variants in GLDC are known to be pathogenic (PMID: 16601880). This variant is not present in population databases (gnomAD no frequency). This variant has not been reported in the literature in individuals affected with GLDC-related conditions. ClinVar contains an entry for this variant (Variation ID: 1459139). For these reasons, this variant has been classified as Pathogenic.

Literature cited by the submitters: PubMed 16601880.